The following is an entry in ClinVar:

NM_000744.7(CHRNA4):c.181G>A (p.Val61Met)

Gene: CHRNA4 (cholinergic receptor nicotinic alpha 4 subunit; minus strand). Cytogenetic location: 20q13.33.
Variant type: single nucleotide variant.
Coding change: c.181G>A on transcript NM_000744.7 (MANE Select); coding-DNA position 181, G replaced by A.
Protein change: p.Val61Met; replaces valine 61 with methionine.
Molecular consequence: missense variant. On other transcripts: 5 prime UTR variant (1), non-coding transcript variant (1).
Genome position (GRCh38, 1-based): chr20:63,359,595, C>T on the plus strand (G>A on the coding strand, the complement: CHRNA4 is on the minus strand). VCF-style: chr20-63359595-C-T. GRCh37 (hg19) VCF-style: chr20-61990947-C-T.
Other names: c.-366G>A (NM_001256573.2); short protein forms V61M.
Identifiers: ClinVar variation 1413727 (VCV001413727.6), dbSNP rs150451372, ClinGen allele CA9957953.

ClinVar aggregate classification (germline): Uncertain significance (1 of 4 stars; one submission).

Conditions:
Familial sleep-related hypermotor epilepsy. Also called: Autosomal Dominant Sleep-Related Hypermotor (Hyperkinetic) Epilepsy. Identifiers: Orphanet 98784, MedGen C3696898, MONDO:0000030.

Allele frequency attached by ClinVar (database versions not stated): ExAC 0.00002; gnomAD exomes 0.00001 and 0.00002; ESP Exome Variant Server 0.00008.

Submission:

Labcorp Genetics (formerly Invitae), Labcorp
Classification: Uncertain significance. Last evaluated: 2022-06-13. Review status: criteria provided, single submitter. Criteria: Invitae Variant Classification Sherloc (09022015). Collection method: clinical testing. Allele origin: germline.
Comment: In summary, the available evidence is currently insufficient to determine the role of this variant in disease. Therefore, it has been classified as a Variant of Uncertain Significance. Algorithms developed to predict the effect of missense changes on protein structure and function are either unavailable or do not agree on the potential impact of this missense change (SIFT: "Deleterious"; PolyPhen-2: "Probably Damaging"; Align-GVGD: "Class C0"). This variant has not been reported in the literature in individuals affected with CHRNA4-related conditions. This variant is present in population databases (rs150451372, gnomAD 0.003%). This sequence change replaces valine, which is neutral and non-polar, with methionine, which is neutral and non-polar, at codon 61 of the CHRNA4 protein (p.Val61Met).